The following is an entry in ClinVar:

NM_004341.5(CAD):c.5646G>A (p.Met1882Ile)

Gene: CAD (carbamoyl-phosphate synthetase 2, aspartate transcarbamylase, and dihydroorotase; plus strand). Cytogenetic location: 2p23.3.
Variant type: single nucleotide variant.
Coding change: c.5646G>A on transcript NM_004341.5 (MANE Select); coding-DNA position 5646, G replaced by A.
Protein change: p.Met1882Ile; replaces methionine 1882 with isoleucine.
Molecular consequence: missense variant.
Genome position (GRCh38, 1-based): chr2:27,241,065, G>A. VCF-style: chr2-27241065-G-A. GRCh37 (hg19) VCF-style: chr2-27463933-G-A.
Other names: c.5457G>A, p.Met1819Ile (NM_001306079.2); short protein forms M1882I, M1819I.
Identifiers: ClinVar variation 451192 (VCV000451192.5), dbSNP rs558814416, ClinGen allele CA1573977.

ClinVar aggregate classification (germline): Uncertain significance. Review status: criteria provided, multiple submitters, no conflicts (2 of 4 stars). 3 submissions from 3 submitters: Uncertain significance (3). Last evaluated 2026-09-10.

Conditions:
Inborn genetic diseases. Identifiers: MedGen C0950123, MeSH D030342.

Allele frequency attached by ClinVar (database versions not stated): TOPMed 0.00001; 1000 Genomes Project 30x 0.00016; 1000 Genomes Project 0.00020; gnomAD exomes below 0.00001; ExAC 0.00001; gnomAD 0.00001.

Submissions (3):

Ambry Genetics
Classification: Uncertain significance for Inborn genetic diseases. Last evaluated: 2026-09-10. Review status: criteria provided, single submitter. Criteria: Ambry Variant Classification Scheme 2023. Collection method: clinical testing. Allele origin: germline.
Comment: The c.5646G>A (p.M1882I) alteration is located in exon 37 (coding exon 37) of the CAD gene. This alteration results from a G to A substitution at nucleotide position 5646, causing the methionine (M) at amino acid position 1882 to be replaced by an isoleucine (I). Based on data from gnomAD, the A allele has an overall frequency of <0.001% (1/247620) total alleles studied. The highest observed frequency was 0.003% (1/34022) of Latino alleles. Based on insufficient or conflicting evidence, the clinical significance of this alteration remains unclear.

Labcorp Genetics (formerly Invitae), Labcorp
Classification: Uncertain significance. Last evaluated: 2025-04-28. Review status: criteria provided, single submitter. Criteria: Invitae Variant Classification Sherloc (09022015). Collection method: clinical testing. Allele origin: germline.
Comment: This sequence change replaces methionine, which is neutral and non-polar, with isoleucine, which is neutral and non-polar, at codon 1882 of the CAD protein (p.Met1882Ile). This variant is not present in population databases (gnomAD no frequency). This variant has not been reported in the literature in individuals affected with CAD-related conditions. ClinVar contains an entry for this variant (Variation ID: 451192). An algorithm developed to predict the effect of missense changes on protein structure and function outputs the following: PolyPhen-2: "Benign". The isoleucine amino acid residue is found in multiple mammalian species, which suggests that this missense change does not adversely affect protein function. In summary, the available evidence is currently insufficient to determine the role of this variant in disease. Therefore, it has been classified as a Variant of Uncertain Significance.

GeneDx
Classification: Uncertain significance. Last evaluated: 2017-08-09. Review status: criteria provided, single submitter. Criteria: GeneDx Variant Classification (06012015). Collection method: clinical testing. Allele origin: germline. Affected: yes.
Comment: The M1882I variant in the CAD gene has not been reported previously as a pathogenic variant, nor as a benign variant, to our knowledge. The M1882I variant is not observed at a significant frequency in large population cohorts (Lek et al., 2016; 1000 Genomes Consortium et al., 2015; Exome Variant Server). The M1882I variant is a conservative amino acid substitution, which is not likely to impact secondary protein structure as these residues share similar properties. This substitution occurs at a position that is not conserved across species. In silico analysis is inconsistent in its predictions as to whether or not the variant is damaging to the protein structure/function. We interpret M1882I as a variant of uncertain significance.